The following is an entry in ClinVar:

NM_006005.3(WFS1):c.1759C>T (p.Arg587Trp)

Gene: WFS1 (wolframin ER transmembrane glycoprotein; plus strand). Cytogenetic location: 4p16.1.
Variant type: single nucleotide variant.
Coding change: c.1759C>T on transcript NM_006005.3 (MANE Select); coding-DNA position 1759, C replaced by T.
Protein change: p.Arg587Trp; replaces arginine 587 with tryptophan.
Molecular consequence: missense variant.
Genome position (GRCh38, 1-based): chr4:6,301,554, C>T. VCF-style: chr4-6301554-C-T. GRCh37 (hg19) VCF-style: chr4-6303281-C-T.
Other names: c.1759C>T, p.Arg587Trp (NM_001145853.1); short protein forms R587W.
Identifiers: ClinVar variation 1328081 (VCV001328081.25), dbSNP rs138968466, ClinGen allele CA2839478.

ClinVar aggregate classification (germline): Conflicting classifications of pathogenicity. Review status: criteria provided, conflicting classifications (1 of 4 stars). 9 submissions from 9 submitters: Uncertain significance (4); Likely benign (1). 4 of the submissions do not count toward it. Last evaluated 2026-02-04.

Conditions:
Inborn genetic diseases. Identifiers: MedGen C0950123, MeSH D030342.
Type 2 diabetes mellitus. Also called: Type II diabetes mellitus. Identifiers: MedGen C0011860, MeSH D003924, MONDO:0005148, OMIM 125853, HP:0005978.
Wolfram-like syndrome. Also called: HEARING LOSS, PROGRESSIVE, WITH OPTIC ATROPHY AND/OR IMPAIRED GLUCOSE REGULATION. Identifiers: Orphanet 411590, MedGen C3280358, MONDO:0013673, OMIM 614296.
WFS1-related disorder. Identifiers: MedGen CN379391, MONDO:0700293.

Allele frequency attached by ClinVar (database versions not stated): ExAC 0.00007; ESP Exome Variant Server 0.00008; gnomAD exomes 0.00009; 1000 Genomes Project 30x 0.00047; 1000 Genomes Project 0.00060.
gnomAD v4.1: 141 of 1,614,116 alleles (0.0087%); highest among the groups gnomAD compares: South Asian, 0.054%; no homozygotes.

Submissions (9):

GeneDx
Classification: Uncertain significance. Last evaluated: 2026-02-04. Review status: criteria provided, single submitter. Criteria: GeneDx Variant Classification Process June 2021. Collection method: clinical testing. Allele origin: germline. Affected: yes.
Comment: Has not been previously published as pathogenic or benign to our knowledge; In silico analysis supports that this missense variant has a deleterious effect on protein structure/function; This variant is associated with the following publications: (PMID: 26435059)

Labcorp Genetics (formerly Invitae), Labcorp
Classification: Likely benign. Last evaluated: 2026-01-20. Review status: criteria provided, single submitter. Criteria: Invitae Variant Classification Sherloc (09022015). Collection method: clinical testing. Allele origin: germline.

Ambry Genetics
Classification: Uncertain significance for Inborn genetic diseases. Last evaluated: 2024-05-01. Review status: criteria provided, single submitter. Criteria: Ambry Variant Classification Scheme 2023. Collection method: clinical testing. Allele origin: germline.
Comment: The c.1759C>T (p.R587W) alteration is located in exon 8 (coding exon 7) of the WFS1 gene. This alteration results from a C to T substitution at nucleotide position 1759, causing the arginine (R) at amino acid position 587 to be replaced by a tryptophan (W). The p.R587W alteration is predicted to be tolerated by in silico analysis. Based on insufficient or conflicting evidence, the clinical significance of this alteration remains unclear.

Blueprint Genetics
Classification: Uncertain significance. Last evaluated: 2024-01-17. Review status: criteria provided, single submitter. Criteria: ACMG Guidelines, 2015. Collection method: clinical testing. Allele origin: germline.

Neuberg Centre For Genomic Medicine, NCGM
Classification: Uncertain significance for Type 2 diabetes mellitus. Last evaluated: 2023-05-20. Review status: criteria provided, single submitter. Criteria: ACMG Guidelines, 2015. Collection method: clinical testing. Allele origin: germline. Inheritance: Autosomal dominant inheritance. Affected: yes.
Comment: The observed missense c.1759C>T(p.Arg587Trp) variant has not been reported previously as a pathogenic variant nor as a benign variant, to our knowledge. This variant is present with an allele frequency of 0.009% in gnomAD Exomes database. This variant has been submitted to the ClinVar database as Likely benign/ Uncertain significance (multiple submissions). Computational evidence (Polyphen - probably damaging, SIFT -damaging and MutationTaster -polymorphism) predicts conflicting evidence on protein structure and function for this variant. The reference amino acid is predicted as conserved by GERP++ and PhyloP across 100 vertebrates. The amino acid Arg at position 587 is changed to a Trp changing protein sequence and it might alter its composition and physico-chemical properties. For these reasons, this variant has been classified as Uncertain Significance (VUS).

PreventionGenetics, part of Exact Sciences
Classification: Uncertain significance for WFS1-related condition. Last evaluated: 2024-03-26. Review status: no assertion criteria provided. Collection method: clinical testing. Allele origin: germline. Not counted in ClinVar's aggregate classification.
Comment: The WFS1 c.1759C>T variant is predicted to result in the amino acid substitution p.Arg587Trp. To our knowledge, this variant has not been reported in the literature. This variant is reported in 0.033% of alleles in individuals of South Asian descent in gnomAD. An alternative variant at this same amino acid (p.Arg587Gln) has been reported in association with Wolfram syndrome (Li et al. 2018. PubMed ID: 29549887). At this time, the clinical significance of this variant is uncertain due to the absence of conclusive functional and genetic evidence.

Clinical Genetics Laboratory, University Hospital Schleswig-Holstein
Classification: Uncertain significance for Wolfram-like syndrome. Last evaluated: 2022-05-02. Review status: no assertion criteria provided. Collection method: clinical testing. Allele origin: germline. Affected: yes. Not counted in ClinVar's aggregate classification.

Clinical Genetics, Academic Medical Center
Classification: Uncertain significance. Review status: no assertion criteria provided. Collection method: clinical testing. Allele origin: germline. Affected: yes. Study: VKGL Data-share Consensus. Not counted in ClinVar's aggregate classification.

Laboratory of Diagnostic Genome Analysis, Leiden University Medical Center (LUMC)
Classification: Uncertain significance. Review status: no assertion criteria provided. Collection method: clinical testing. Allele origin: germline. Affected: yes. Study: VKGL Data-share Consensus. Not counted in ClinVar's aggregate classification.